The following is an entry in ClinVar:

ClinVar aggregate classification (germline): Uncertain significance. Review status: criteria provided, multiple submitters, no conflicts (2 of 4 stars). 2 submissions from 2 submitters: Uncertain significance (2). Last evaluated 2019-01-24.

Conditions:
Hereditary cancer-predisposing syndrome. Also called: Neoplastic Syndromes, Hereditary; Tumor predisposition; Hereditary neoplastic syndrome; Hereditary Cancer Syndrome. Identifiers: Orphanet 140162, MedGen C0027672, MeSH D009386, MONDO:0015356.

Allele frequency attached by ClinVar (database versions not stated): gnomAD exomes below 0.00001.
gnomAD v4.1: 2 of 1,614,196 alleles (0.00012%); highest among the groups gnomAD compares: Non-Finnish European, 0.00017%; no homozygotes.

Submissions (2):

Color Diagnostics, LLC DBA Color Health
Classification: Uncertain significance for Hereditary cancer-predisposing syndrome. Last evaluated: 2019-01-24. Review status: criteria provided, single submitter. Criteria: ACMG Guidelines, 2015. Collection method: clinical testing. Allele origin: germline.

Ambry Genetics
Classification: Uncertain significance for Hereditary cancer-predisposing syndrome. Last evaluated: 2017-11-20. Review status: criteria provided, single submitter. Criteria: Ambry Variant Classification Scheme 2023. Collection method: clinical testing. Allele origin: germline.
Comment: The p.Q1596P variant (also known as c.4787A>C), located in coding exon 15 of the APC gene, results from an A to C substitution at nucleotide position 4787. The glutamine at codon 1596 is replaced by proline, an amino acid with similar properties. This amino acid position is highly conserved in available vertebrate species. In addition, in silico predictors for this gene do not accurately predict pathogenicity. Since supporting evidence is limited at this time, the clinical significance of this alteration remains unclear.

NM_000038.6(APC):c.4787A>C (p.Gln1596Pro)

Gene: APC (APC regulator of Wnt signaling pathway; plus strand). Cytogenetic location: 5q22.2.
Variant type: single nucleotide variant.
Coding change: c.4787A>C on transcript NM_000038.6 (MANE Select); coding-DNA position 4787, A replaced by C.
Protein change: p.Gln1596Pro; replaces glutamine 1596 with proline.
Molecular consequence: missense variant.
Genome position (GRCh38, 1-based): chr5:112,840,381, A>C. VCF-style: chr5-112840381-A-C. GRCh37 (hg19) VCF-style: chr5-112176078-A-C.
Other names: c.4664A>C, p.Gln1555Pro (NM_001354900.2); c.4610A>C, p.Gln1537Pro (NM_001354901.2); c.4514A>C, p.Gln1505Pro (NM_001354902.2); c.4484A>C, p.Gln1495Pro (NM_001354903.2); c.4409A>C, p.Gln1470Pro (NM_001354904.2); c.4307A>C, p.Gln1436Pro (NM_001354905.2); c.3938A>C, p.Gln1313Pro (NM_001354906.2); c.4787A>C, p.Gln1596Pro (NM_001127510.3, NM_001354895.2); and 5 more; short protein forms Q1596P, Q1578P, Q1436P, Q1568P, Q1571P, Q1313P, Q1495P, Q1537P.
Identifiers: ClinVar variation 628902 (VCV000628902.5), dbSNP rs1561595516, ClinGen allele CA16031822.